The following is an entry in ClinVar:

ClinVar aggregate classification (germline): Pathogenic (1 of 4 stars; one submission).

Conditions:
Neuronal ceroid lipofuscinosis. Also called: Neuronal Ceroid Lipofuscinoses. Identifiers: Orphanet 216, Orphanet 79263, MedGen C0027877, MONDO:0016295. Disease mechanism: loss of function.

Submission:

Labcorp Genetics (formerly Invitae), Labcorp
Classification: Pathogenic for Neuronal ceroid lipofuscinosis. Last evaluated: 2024-01-22. Review status: criteria provided, single submitter. Criteria: Invitae Variant Classification Sherloc (09022015). Collection method: clinical testing. Allele origin: germline.
Comment: This sequence change creates a premature translational stop signal (p.Lys253Glnfs*39) in the CTSD gene. It is expected to result in an absent or disrupted protein product. Loss-of-function variants in CTSD are known to be pathogenic (PMID: 16670177, 26059544). This variant is not present in population databases (gnomAD no frequency). This variant has not been reported in the literature in individuals affected with CTSD-related conditions. ClinVar contains an entry for this variant (Variation ID: 2117602). For these reasons, this variant has been classified as Pathogenic.

Literature cited by the submitters: PubMed 16670177; PubMed 26059544.

NM_001909.5(CTSD):c.756dup (p.Lys253fs)

Gene: CTSD (cathepsin D; minus strand). Cytogenetic location: 11p15.5.
Variant type: Duplication.
Coding change: c.756dup on transcript NM_001909.5 (MANE Select); coding-DNA position 756, one base duplicated (C; older notation c.756dupC).
Protein change: p.Lys253fs; shifts the reading frame from lysine 253.
Molecular consequence: frameshift variant.
Genome position (GRCh38, 1-based): chr11:1,754,977, G duplicated on the plus strand (C on the coding strand, the reverse complement: CTSD is on the minus strand); the first of 2 consecutive G bases (chr11:1,754,977-1,754,978); duplicating either gives the same sequence. VCF-style (leftmost placement, unchanged base first): chr11-1754976-T-TG. GRCh37 (hg19) VCF-style: chr11-1776206-T-TG.
Other names: short protein forms K253fs.
Identifiers: ClinVar variation 2117602 (VCV002117602.4), dbSNP rs1845792332, ClinGen allele CA934405344.